The following is an entry in ClinVar:

ClinVar aggregate classification (germline): Uncertain significance (1 of 4 stars; one submission).

Conditions:
Cystic fibrosis (CF). Also called: MUCOVISCIDOSIS. Identifiers: Orphanet 586, MedGen C0010674, MONDO:0009061, OMIM 219700. Disease mechanism: loss of function.

Submission:

Ambry Genetics
Classification: Uncertain significance for Cystic fibrosis. Last evaluated: 2021-08-22. Review status: criteria provided, single submitter. Criteria: Ambry Variant Classification Scheme 2023. Collection method: clinical testing. Allele origin: germline.
Comment: The p.G1342V variant (also known as c.4025G>T), located in coding exon 25 of the CFTR gene, results from a G to T substitution at nucleotide position 4025. The glycine at codon 1342 is replaced by valine, an amino acid with dissimilar properties. This amino acid position is conserved. In addition, this alteration is predicted to be deleterious by in silico analysis. Since supporting evidence is limited at this time, the clinical significance of this alteration remains unclear.

NM_000492.4(CFTR):c.4025G>T (p.Gly1342Val)

Gene: CFTR (CF transmembrane conductance regulator; plus strand). Cytogenetic location: 7q31.2.
Variant type: single nucleotide variant.
Coding change: c.4025G>T on transcript NM_000492.4 (MANE Select); coding-DNA position 4025, G replaced by T.
Protein change: p.Gly1342Val; replaces glycine 1342 with valine.
Molecular consequence: missense variant.
Genome position (GRCh38, 1-based): chr7:117,664,749, G>T. VCF-style: chr7-117664749-G-T. GRCh37 (hg19) VCF-style: chr7-117304803-G-T.
Other names: short protein forms G1342V.
Identifiers: ClinVar variation 1737141 (VCV001737141.2), dbSNP rs1245455454, ClinGen allele CA368982326.